The following is an entry in ClinVar:

ClinVar aggregate classification (germline): Conflicting classifications of pathogenicity. Review status: criteria provided, conflicting classifications (1 of 4 stars). 3 submissions from 3 submitters: Uncertain significance (2); Likely benign (1). Last evaluated 2024-10-30.

Conditions:
Hereditary cancer-predisposing syndrome. Also called: Tumor predisposition; Neoplastic Syndromes, Hereditary; Hereditary Cancer Syndrome; Hereditary neoplastic syndrome. Identifiers: Orphanet 140162, MedGen C0027672, MeSH D009386, MONDO:0015356.
Familial cancer of breast. Also called: Hereditary breast cancer; BREAST CANCER, FAMILIAL; hereditary breast carcinoma. Identifiers: Orphanet 227535, MedGen C0346153, MONDO:0016419, OMIM 114480. Disease mechanism: loss of function.

Allele frequency attached by ClinVar (database versions not stated): TOPMed below 0.00001; gnomAD 0.00001; gnomAD exomes below 0.00001.
gnomAD v4.1: 5 of 1,614,076 alleles (0.00031%); highest among the groups gnomAD compares: Non-Finnish European, 0.00042%; no homozygotes.

Submissions (3):

Labcorp Genetics (formerly Invitae), Labcorp
Classification: Uncertain significance for Familial cancer of breast. Last evaluated: 2024-10-30. Review status: criteria provided, single submitter. Criteria: Invitae Variant Classification Sherloc (09022015). Collection method: clinical testing. Allele origin: germline.
Comment: This sequence change replaces methionine, which is neutral and non-polar, with threonine, which is neutral and polar, at codon 875 of the PALB2 protein (p.Met875Thr). This variant is not present in population databases (gnomAD no frequency). This variant has not been reported in the literature in individuals affected with PALB2-related conditions. ClinVar contains an entry for this variant (Variation ID: 241548). Invitae Evidence Modeling of protein sequence and biophysical properties (such as structural, functional, and spatial information, amino acid conservation, physicochemical variation, residue mobility, and thermodynamic stability) indicates that this missense variant is not expected to disrupt PALB2 protein function with a negative predictive value of 80%. In summary, the available evidence is currently insufficient to determine the role of this variant in disease. Therefore, it has been classified as a Variant of Uncertain Significance.

Ambry Genetics
Classification: Likely benign for Hereditary cancer-predisposing syndrome. Last evaluated: 2024-05-03. Review status: criteria provided, single submitter. Criteria: Ambry Variant Classification Scheme 2023. Collection method: clinical testing. Allele origin: germline.

Women's Health and Genetics/Laboratory Corporation of America, LabCorp
Classification: Uncertain significance. Last evaluated: 2018-03-16. Review status: criteria provided, single submitter. Criteria: LabCorp Variant Classification Summary - May 2015. Collection method: clinical testing. Allele origin: germline.
Comment: Variant summary: PALB2 c.2624T>C (p.Met875Thr) results in a non-conservative amino acid change located in the WD40 domain (IPR031920) of the encoded protein sequence that binds to the N terminus of BRCA2. Three of five in-silico tools predict a benign effect of the variant on protein function. The variant was absent in 121404 control chromosomes. The available data on variant occurrences in the general population are insufficient to allow any conclusion about variant significance. To our knowledge, no occurrence of c.2624T>C in individuals affected with Hereditary Breast and Ovarian Cancer and no experimental evidence demonstrating its impact on protein function have been reported. One clinical diagnostic laboratory has submitted clinical-significance assessments for this variant to ClinVar after 2014 without evidence for independent evaluation, and classified the variant as uncertain significance. Based on the evidence outlined above, the variant was classified as uncertain significance.

NM_024675.4(PALB2):c.2624T>C (p.Met875Thr)

Gene: PALB2 (partner and localizer of BRCA2; minus strand). Cytogenetic location: 16p12.2.
Variant type: single nucleotide variant.
Coding change: c.2624T>C on transcript NM_024675.4 (MANE Select); coding-DNA position 2624, T replaced by C.
Protein change: p.Met875Thr; replaces methionine 875 with threonine.
Molecular consequence: missense variant.
Genome position (GRCh38, 1-based): chr16:23,626,360, A>G on the plus strand (T>C on the coding strand, the complement: PALB2 is on the minus strand). VCF-style: chr16-23626360-A-G. GRCh37 (hg19) VCF-style: chr16-23637681-A-G.
Other names: short protein forms M875T.
Identifiers: ClinVar variation 241548 (VCV000241548.11), dbSNP rs878855110, ClinGen allele CA10583359.